The following is an entry in ClinVar:

ClinVar aggregate classification (germline): Benign/Likely benign. Review status: criteria provided, multiple submitters, no conflicts (2 of 4 stars). 4 submissions from 4 submitters: Benign (1); Likely benign (2). 1 of the submissions does not count toward it. Last evaluated 2024-10-10.

Conditions:
PAX3-related disorder. Also called: PAX3-related condition.

Allele frequency attached by ClinVar (database versions not stated): gnomAD below 0.00001 and 0.00023; TOPMed 0.00004; 1000 Genomes Project 0.00100; 1000 Genomes Project 30x 0.00141.
gnomAD v4.1: 518 of 1,612,082 alleles (0.032%); highest among the groups gnomAD compares: South Asian, 0.52%; 2 homozygotes.

Submissions (4):

Blueprint Genetics
Classification: Likely benign. Last evaluated: 2024-10-10. Review status: criteria provided, single submitter. Criteria: ACMG Guidelines, 2015. Collection method: clinical testing. Allele origin: germline.

GeneDx
Classification: Likely benign. Last evaluated: 2020-08-30. Review status: criteria provided, single submitter. Criteria: GeneDx Variant Classification Process June 2021. Collection method: clinical testing. Allele origin: germline. Affected: yes.

Athena Diagnostics
Classification: Benign. Last evaluated: 2020-03-27. Review status: criteria provided, single submitter. Criteria: Athena Diagnostics Criteria. Collection method: clinical testing. Allele origin: unknown.

PreventionGenetics, part of Exact Sciences
Classification: Likely benign for PAX3-related condition. Last evaluated: 2021-10-27. Review status: no assertion criteria provided. Collection method: clinical testing. Allele origin: germline. Not counted in ClinVar's aggregate classification.
Comment: This variant is classified as likely benign based on ACMG/AMP sequence variant interpretation guidelines (Richards et al. 2015 PMID: 25741868, with internal and published modifications).

NM_181458.4(PAX3):c.586+52C>A

Gene: PAX3 (paired box 3; minus strand). Cytogenetic location: 2q36.1.
Variant type: single nucleotide variant.
Coding change: c.586+52C>A on transcript NM_181458.4 (MANE Select); 52 bases into the intron after coding-DNA position 586, C replaced by A.
Molecular consequence: intron variant. On other transcripts: nonsense (1).
Genome position (GRCh38, 1-based): chr2:222,294,115, G>T on the plus strand (C>A on the coding strand, the complement: PAX3 is on the minus strand). VCF-style: chr2-222294115-G-T. GRCh37 (hg19) VCF-style: chr2-223158834-G-T.
Other names: c.638C>A, p.Ser213Ter (NM_000438.6); c.583+52C>A (NM_001127366.3); c.586+52C>A (NM_181460.4, NM_181461.4, NM_181459.4 and 2 more transcripts); c.638C>A (NM_000438.5); short protein forms S213*.
Identifiers: ClinVar variation 995191 (VCV000995191.6), dbSNP rs201251689, ClinGen allele CA2135672.